The following is an entry in ClinVar:

NM_000264.5(PTCH1):c.2731G>T (p.Asp911Tyr)

Gene: PTCH1 (patched 1; minus strand). Cytogenetic location: 9q22.32.
Variant type: single nucleotide variant.
Coding change: c.2731G>T on transcript NM_000264.5 (MANE Select); coding-DNA position 2731, G replaced by T.
Protein change: p.Asp911Tyr; replaces aspartic acid 911 with tyrosine.
Molecular consequence: missense variant. On other transcripts: non-coding transcript variant (1).
Genome position (GRCh38, 1-based): chr9:95,459,756, C>A on the plus strand (G>T on the coding strand, the complement: PTCH1 is on the minus strand). VCF-style: chr9-95459756-C-A. GRCh37 (hg19) VCF-style: chr9-98222038-C-A.
Other names: c.2533G>T, p.Asp845Tyr (NM_001083602.3); c.2728G>T, p.Asp910Tyr (NM_001083603.3); c.2278G>T, p.Asp760Tyr (NM_001083604.3, NM_001083605.3, NM_001083606.3 and 1 more transcripts); c.2575G>T, p.Asp859Tyr (NM_001354918.2); short protein forms D760Y, D845Y, D859Y, D910Y, D911Y.
Identifiers: ClinVar variation 1795302 (VCV001795302.6), dbSNP rs2136672979, ClinGen allele CA374113205.

ClinVar aggregate classification (germline): Uncertain significance. Review status: criteria provided, multiple submitters, no conflicts (2 of 4 stars). 2 submissions from 2 submitters: Uncertain significance (2). Last evaluated 2025-10-15.

Conditions:
Hereditary cancer-predisposing syndrome. Also called: Tumor predisposition; Hereditary neoplastic syndrome; Hereditary Cancer Syndrome; Neoplastic Syndromes, Hereditary. Identifiers: Orphanet 140162, MedGen C0027672, MeSH D009386, MONDO:0015356.
PTCH1-related disorder. Also called: PTCH1-related disorders; PTCH1-related condition.

Submissions (2):

PreventionGenetics, part of Exact Sciences
Classification: Uncertain significance for PTCH1-related condition. Last evaluated: 2025-10-15. Review status: criteria provided, single submitter. Criteria: ACMG Guidelines, 2015. Collection method: clinical testing. Allele origin: germline.
Comment: The PTCH1 c.2731G>T variant is predicted to result in the amino acid substitution p.Asp911Tyr. To our knowledge, this variant has not been reported in the literature or in a large population database, indicating this variant is rare. This variant has an interpretation of uncertain significance in ClinVar (Variation ID: 1795302). At this time, the clinical significance of this variant is uncertain due to the absence of conclusive functional and genetic evidence.

Ambry Genetics
Classification: Uncertain significance for Hereditary cancer-predisposing syndrome. Last evaluated: 2025-05-23. Review status: criteria provided, single submitter. Criteria: Ambry Variant Classification Scheme 2023. Collection method: clinical testing. Allele origin: germline.
Comment: The p.D911Y variant (also known as c.2731G>T), located in coding exon 17 of the PTCH1 gene, results from a G to T substitution at nucleotide position 2731. The aspartic acid at codon 911 is replaced by tyrosine, an amino acid with highly dissimilar properties. This amino acid position is well conserved in available vertebrate species. In addition, the in silico prediction for this alteration is inconclusive. Based on the available evidence, the clinical significance of this variant remains unclear.